The following is an entry in ClinVar:

ClinVar aggregate classification (germline): Uncertain significance (1 of 4 stars; one submission).

Submission:

GeneDx
Classification: Uncertain significance. Last evaluated: 2024-01-16. Review status: criteria provided, single submitter. Criteria: GeneDx Variant Classification Process June 2021. Collection method: clinical testing. Allele origin: germline. Affected: yes.
Comment: Not observed at significant frequency in large population cohorts (gnomAD); In silico analysis supports that this missense variant does not alter protein structure/function; Has not been previously published as pathogenic or benign to our knowledge

NM_001291303.3(FAT4):c.9127A>G (p.Ile3043Val)

Gene: FAT4 (FAT atypical cadherin 4; plus strand). Cytogenetic location: 4q28.1.
Variant type: single nucleotide variant.
Coding change: c.9127A>G on transcript NM_001291303.3 (MANE Select); coding-DNA position 9127, A replaced by G.
Protein change: p.Ile3043Val; replaces isoleucine 3043 with valine.
Molecular consequence: missense variant.
Genome position (GRCh38, 1-based): chr4:125,450,137, A>G. VCF-style: chr4-125450137-A-G. GRCh37 (hg19) VCF-style: chr4-126371292-A-G.
Other names: c.9127A>G, p.Ile3043Val (NM_001291285.3); c.9121A>G, p.Ile3041Val (NM_024582.6); short protein forms I3041V, I3043V.
Identifiers: ClinVar variation 3367891 (VCV003367891.1).